The following is an entry in ClinVar:

NM_001199267.2(DGKZ):c.162-440C>A

Gene: DGKZ (diacylglycerol kinase zeta; plus strand). Cytogenetic location: 11p11.2.
Variant type: single nucleotide variant.
Coding change: c.162-440C>A on transcript NM_001199267.2 (MANE Select); 440 bases into the intron before coding-DNA position 162, C replaced by A.
Molecular consequence: intron variant. On other transcripts: missense variant (1).
Genome position (GRCh38, 1-based): chr11:46,366,851, C>A. VCF-style: chr11-46366851-C-A. GRCh37 (hg19) VCF-style: chr11-46388401-C-A.
Other names: c.595C>A, p.Pro199Thr (NM_001105540.2); c.213-440C>A (NM_201532.3); c.177-440C>A (NM_201533.3); c.162-440C>A (NM_001199266.2, NM_003646.4, NM_001199268.2); short protein forms P199T.
Identifiers: ClinVar variation 4710826 (VCV004710826.1).

ClinVar aggregate classification (germline): Uncertain significance (1 of 4 stars; one submission).

gnomAD v4.1: 22 of 1,546,664 alleles (0.0014%); highest among the groups gnomAD compares: Admixed American, 0.04%; no homozygotes.

Submission:

Labcorp Genetics (formerly Invitae), Labcorp
Classification: Uncertain significance. Last evaluated: 2025-07-31. Review status: criteria provided, single submitter. Criteria: Invitae Variant Classification Sherloc (09022015). Collection method: clinical testing. Allele origin: germline.
Comment: This sequence change replaces proline, which is neutral and non-polar, with threonine, which is neutral and polar, at codon 199 of the DGKZ protein (p.Pro199Thr). The frequency data for this variant in the population databases is considered unreliable, as metrics indicate poor data quality at this position in the gnomAD database. This variant has not been reported in the literature in individuals affected with DGKZ-related conditions. An algorithm developed to predict the effect of missense changes on protein structure and function (PolyPhen-2) suggests that this variant is likely to be tolerated. In summary, the available evidence is currently insufficient to determine the role of this variant in disease. Therefore, it has been classified as a Variant of Uncertain Significance.